The following is an entry in ClinVar:

ClinVar aggregate classification (germline): Likely pathogenic. Review status: criteria provided, multiple submitters, no conflicts (2 of 4 stars). 3 submissions from 3 submitters: Likely pathogenic (2). 1 of the submissions does not count toward it. Last evaluated 2025-10-13.

Conditions:
Maturity-onset diabetes of the young type 1. Also called: MODY, type I; MILD JUVENILE DIABETES MELLITUS; MODY type 1; Diabetes mellitus MODY type 1; MODY HNF4A related; HNF4A-Related Maturity-Onset Diabetes of the Young Type 1. Identifiers: Orphanet 552, MedGen C1852093, MONDO:0007452, OMIM 125850. Disease mechanism: loss of function.

Submissions (3):

Labcorp Genetics (formerly Invitae), Labcorp
Classification: Likely pathogenic. Last evaluated: 2025-10-13. Review status: criteria provided, single submitter. Criteria: Invitae Variant Classification Sherloc (09022015). Collection method: clinical testing. Allele origin: germline.
Comment: This sequence change replaces glutamic acid, which is acidic and polar, with lysine, which is basic and polar, at codon 263 of the HNF4A protein (p.Glu263Lys). This variant is not present in population databases (gnomAD no frequency). This missense change has been observed in individual(s) with maturity onset diabetes of the young (MODY) (PMID: 31604004). In at least one individual the variant was observed to be de novo. This variant is also known as c.853G>A (p.Glu285Lys). ClinVar contains an entry for this variant (Variation ID: 2972922). Invitae Evidence Modeling of protein sequence and biophysical properties (such as structural, functional, and spatial information, amino acid conservation, physicochemical variation, residue mobility, and thermodynamic stability) has been performed for this missense variant. However, the output from this modeling did not meet the statistical confidence thresholds required to predict the impact of this variant on HNF4A protein function. This variant disrupts the p.Glu263 amino acid residue in HNF4A. Other variant(s) that disrupt this residue have been determined to be pathogenic (PMID: 9243109, 36257325). This suggests that this residue is clinically significant, and that variants that disrupt this residue are likely to be disease-causing. In summary, the currently available evidence indicates that the variant is pathogenic, but additional data are needed to prove that conclusively. Therefore, this variant has been classified as Likely Pathogenic.

Variantyx, Inc.
Classification: Likely pathogenic for Maturity-onset diabetes of the young type 1. Last evaluated: 2025-09-02. Review status: criteria provided, single submitter. Criteria: Variantyx Assertion Criteria 2022. Collection method: clinical testing. Allele origin: de novo. Inheritance: Autosomal dominant inheritance. Affected: yes.
Comment: This is a nonsynonymous variant in the HNF4A gene (OMIM: 600281). Pathogenic variants in this gene have been associated with autosomal dominant MODY type I. This variant likely occurred de novo in individuals reported in the published literature; however, the possibility of parental germline mosaicism cannot be excluded (PMID: 31604004) (PS2_Moderate). An alternate amino acid change(s) at this codon (p.Glu263Gln) has been previously reported in similarly affected individuals, which suggests that this residue is biologically important (PMID: 9243109, 36257325) (PM5), and multiple computational algorithms predict a deleterious effect for this variant (REVEL score: 0.951) (PP3). This variant is absent from control populations (PM2). Based on the current evidence, this variant is classified as likely pathogenic for autosomal dominant MODY type I.This variant was reported by previous genetic testing.

Cardiovascular Genetics Laboratory, PathWest Laboratory Medicine WA - Fiona Stanley Hospital
Classification: Uncertain significance for Maturity-onset diabetes of the young type 1. Last evaluated: 2023-11-21. Review status: no assertion criteria provided. Criteria: ACMG Guidelines, 2015. Collection method: clinical testing. Allele origin: germline. Not counted in ClinVar's aggregate classification.

Literature cited by the submitters: PubMed 31604004 (cited by Labcorp Genetics (formerly Invitae), Labcorp and Variantyx, Inc.); PubMed 9243109 (cited by Labcorp Genetics (formerly Invitae), Labcorp and Variantyx, Inc.); PubMed 36257325 (cited by Labcorp Genetics (formerly Invitae), Labcorp and Variantyx, Inc.).

NM_175914.5(HNF4A):c.787G>A (p.Glu263Lys)

Gene: HNF4A (hepatocyte nuclear factor 4 alpha; plus strand). Cytogenetic location: 20q13.12.
Variant type: single nucleotide variant.
Coding change: c.787G>A on transcript NM_175914.5 (MANE Select); coding-DNA position 787, G replaced by A.
Protein change: p.Glu263Lys; replaces glutamic acid 263 with lysine.
Molecular consequence: missense variant.
Genome position (GRCh38, 1-based): chr20:44,419,837, G>A. VCF-style: chr20-44419837-G-A. GRCh37 (hg19) VCF-style: chr20-43048477-G-A.
Other names: c.787G>A, p.Glu263Lys (NM_001030003.3, NM_001030004.3); c.832G>A, p.Glu278Lys (NM_001258355.2); c.778G>A, p.Glu260Lys (NM_001287182.2, NM_001287183.2, NM_001287184.2); c.853G>A, p.Glu285Lys (NM_178849.3, NM_178850.3, NM_000457.6); short protein forms E278K, E285K, E260K, E263K.
Identifiers: ClinVar variation 2972922 (VCV002972922.5), dbSNP rs1385142974, ClinGen allele CA409107566.